The following is an entry in ClinVar:

ClinVar aggregate classification (germline): Pathogenic. Review status: criteria provided, multiple submitters, no conflicts (2 of 4 stars). 2 submissions from 2 submitters: Pathogenic (2). Last evaluated 2024-06-23.

Conditions:
Familial cancer of breast. Also called: hereditary breast carcinoma; BREAST CANCER, FAMILIAL; Hereditary breast cancer. Identifiers: Orphanet 227535, MedGen C0346153, MONDO:0016419, OMIM 114480. Disease mechanism: loss of function.

Submissions (2):

Labcorp Genetics (formerly Invitae), Labcorp
Classification: Pathogenic for Familial cancer of breast. Last evaluated: 2024-06-23. Review status: criteria provided, single submitter. Criteria: Invitae Variant Classification Sherloc (09022015). Collection method: clinical testing. Allele origin: germline.
Comment: This sequence change creates a premature translational stop signal (p.Lys596Asnfs*2) in the BARD1 gene. It is expected to result in an absent or disrupted protein product. Loss-of-function variants in BARD1 are known to be pathogenic (PMID: 20077502, 21344236). This variant is not present in population databases (gnomAD no frequency). This variant has not been reported in the literature in individuals affected with BARD1-related conditions. For these reasons, this variant has been classified as Pathogenic.

Myriad Genetics, Inc.
Classification: Pathogenic for Familial cancer of breast. Last evaluated: 2024-06-06. Review status: criteria provided, single submitter. Criteria: Myriad Autosomal Dominant, Autosomal Recessive and X-Linked Classification Criteria (2023). Collection method: clinical testing. Allele origin: unknown.
Comment: This variant is considered pathogenic. This variant creates a frameshift predicted to result in premature protein truncation.

Literature cited by the submitters: PubMed 20077502 (cited by Labcorp Genetics (formerly Invitae), Labcorp); PubMed 21344236 (cited by Labcorp Genetics (formerly Invitae), Labcorp).

NM_000465.4(BARD1):c.1788_1792del (p.Lys596fs)

Gene: BARD1 (BRCA1 associated RING domain 1; minus strand). Cytogenetic location: 2q35.
Variant type: Deletion.
Coding change: c.1788_1792del on transcript NM_000465.4 (MANE Select); coding-DNA positions 1788 to 1792, 5 bases deleted (ATATA; older notation c.1788_1792delATATA).
Protein change: p.Lys596fs; shifts the reading frame from lysine 596.
Molecular consequence: frameshift variant. On other transcripts: non-coding transcript variant (3), intron variant (1).
Genome position (GRCh38, 1-based): chr2:214,745,740-214,745,744, TATAT deleted on the plus strand (ATATA on the coding strand, the reverse complement: BARD1 is on the minus strand); deleting any 5 consecutive bases within chr2:214,745,740-214,745,745 gives the same sequence; the c. name uses the placement nearest the transcript's 3' end. VCF-style (leftmost placement, unchanged base first): chr2-214745739-GTATAT-G. GRCh37 (hg19) VCF-style: chr2-215610463-GTATAT-G.
Other names: c.1731_1735del, p.Lys577fs (NM_001282543.2); c.435_439del, p.Lys145fs (NM_001282545.2); c.378_382del, p.Lys126fs (NM_001282548.2); c.365-15236_365-15232del (NM_001282549.2); short protein forms K126fs, K577fs, K596fs, K145fs.
Identifiers: ClinVar variation 2773043 (VCV002773043.4), dbSNP rs2469342140, ClinGen allele CA2697550383.